The following is an entry in ClinVar:

ClinVar aggregate classification (germline): Benign. Review status: criteria provided, single submitter (1 of 4 stars). 2 submissions from 2 submitters: Benign (1). 1 of the submissions does not count toward it. Last evaluated 2022-01-08.

Conditions:
Treacher Collins syndrome 1 (TCS1). Also called: TCOF1-Related Treacher Collins Syndrome. Identifiers: Orphanet 861, MedGen CN315775, MONDO:0007944, OMIM 154500.
TCOF1-related disorder. Also called: TCOF1-related condition.

Allele frequency attached by ClinVar (database versions not stated): ExAC 0.00012; ESP Exome Variant Server 0.00015; gnomAD 0.00030; 1000 Genomes Project 30x 0.00031; 1000 Genomes Project 0.00040; TOPMed 0.00042.
gnomAD v4.1: 71 of 1,612,250 alleles (0.0044%); highest among the groups gnomAD compares: African/African-American, 0.073%; no homozygotes.

Submissions (2):

Labcorp Genetics (formerly Invitae), Labcorp
Classification: Benign for Treacher Collins syndrome 1. Last evaluated: 2022-01-08. Review status: criteria provided, single submitter. Criteria: Invitae Variant Classification Sherloc (09022015). Collection method: clinical testing. Allele origin: germline.

PreventionGenetics, part of Exact Sciences
Classification: Likely benign for TCOF1-related condition. Last evaluated: 2024-04-27. Review status: no assertion criteria provided. Collection method: clinical testing. Allele origin: germline. Not counted in ClinVar's aggregate classification.
Comment: This variant is classified as likely benign based on ACMG/AMP sequence variant interpretation guidelines (Richards et al. 2015 PMID: 25741868, with internal and published modifications).

NM_001371623.1(TCOF1):c.930C>G (p.Thr310=)

Gene: TCOF1 (treacle ribosome biogenesis factor 1; plus strand). Cytogenetic location: 5q32.
Variant type: single nucleotide variant.
Coding change: c.930C>G on transcript NM_001371623.1 (MANE Select); coding-DNA position 930, C replaced by G.
Protein change: p.Thr310=; no amino-acid change (threonine 310 retained).
Molecular consequence: synonymous variant.
Genome position (GRCh38, 1-based): chr5:150,374,233, C>G. VCF-style: chr5-150374233-C-G. GRCh37 (hg19) VCF-style: chr5-149753796-C-G.
Other names: c.930C>G (NM_001135243.1); c.699C>G, p.Thr233= (NM_000356.4, NM_001135245.2); c.930C>G, p.Thr310= (NM_001008657.3, NM_001135243.2, NM_001135244.2 and 1 more transcripts).
Identifiers: ClinVar variation 2036165 (VCV002036165.6), dbSNP rs148274041, ClinGen allele CA3510700.